The following is an entry in ClinVar:

ClinVar aggregate classification (germline): Uncertain significance. Review status: criteria provided, multiple submitters, no conflicts (2 of 4 stars). 3 submissions from 3 submitters: Uncertain significance (3). Last evaluated 2025-11-19.

Conditions:
Inborn genetic diseases. Identifiers: MedGen C0950123, MeSH D030342.
Baller-Gerold syndrome (BGS). Also called: CRANIOSYNOSTOSIS WITH RADIAL DEFECTS. Identifiers: Orphanet 1225, MedGen C0265308, MONDO:0009039, OMIM 218600.

Allele frequency attached by ClinVar (database versions not stated): ExAC 0.00001; gnomAD exomes 0.00001; TOPMed 0.00001.
gnomAD v4.1: 11 of 1,610,508 alleles (0.00068%); highest among the groups gnomAD compares: Non-Finnish European, 0.00093%; no homozygotes.

Submissions (3):

Labcorp Genetics (formerly Invitae), Labcorp
Classification: Uncertain significance for Baller-Gerold syndrome. Last evaluated: 2025-11-19. Review status: criteria provided, single submitter. Criteria: Invitae Variant Classification Sherloc (09022015). Collection method: clinical testing. Allele origin: germline.
Comment: This sequence change replaces proline, which is neutral and non-polar, with threonine, which is neutral and polar, at codon 165 of the RECQL4 protein (p.Pro165Thr). The frequency data for this variant in the population databases is considered unreliable, as metrics indicate poor data quality at this position in the gnomAD database. This variant has not been reported in the literature in individuals affected with RECQL4-related conditions. ClinVar contains an entry for this variant (Variation ID: 666134). Experimental studies and prediction algorithms are not available or were not evaluated, and the functional significance of this variant is currently unknown. In summary, the available evidence is currently insufficient to determine the role of this variant in disease. Therefore, it has been classified as a Variant of Uncertain Significance.

Ambry Genetics
Classification: Uncertain significance for Inborn genetic diseases. Last evaluated: 2025-06-10. Review status: criteria provided, single submitter. Criteria: Ambry Variant Classification Scheme 2023. Collection method: clinical testing. Allele origin: germline.

GeneDx
Classification: Uncertain significance. Last evaluated: 2021-05-17. Review status: criteria provided, single submitter. Criteria: GeneDx Variant Classification Process June 2021. Collection method: clinical testing. Allele origin: germline. Affected: yes.
Comment: Not observed at a significant frequency in large population cohorts (Lek 2016); In silico analysis supports that this missense variant does not alter protein structure/function; Has not been previously published as pathogenic or benign to our knowledge

NM_004260.4(RECQL4):c.493C>A (p.Pro165Thr)

Gene: RECQL4 (RecQ like helicase 4; minus strand). Cytogenetic location: 8q24.3.
Variant type: single nucleotide variant.
Coding change: c.493C>A on transcript NM_004260.4 (MANE Select); coding-DNA position 493, C replaced by A.
Protein change: p.Pro165Thr; replaces proline 165 with threonine.
Molecular consequence: missense variant.
Genome position (GRCh38, 1-based): chr8:144,516,626, G>T on the plus strand (C>A on the coding strand, the complement: RECQL4 is on the minus strand). VCF-style: chr8-144516626-G-T. GRCh37 (hg19) VCF-style: chr8-145742010-G-T.
Other names: short protein forms P165T.
Identifiers: ClinVar variation 666134 (VCV000666134.10), dbSNP rs766897765, ClinGen allele CA4949274.
Genomic context (GRCh38, chr8:144,516,626, plus strand): 5'-AGCCCAGCCGCTGGCTCAGGGATGCCTGCAGATGCTGGAGCCGGCCTGGCCTTGGCTGGG[G>T]CTCAGGGAGCTGTGGAGGCTCATCACTGACTTTTTCTGCAAAGGAGGGGACAGGCCCTGT-3'
Protein context (NP_004251.4, residues 155-175): VSDEPPQLPE[Pro165Thr]QPRPGRLQHL